The following is an entry in ClinVar:

NM_000516.7(GNAS):c.60T>C (p.Arg20=)

Gene: GNAS (GNAS complex locus; plus strand). Cytogenetic location: 20q13.32.
Variant type: single nucleotide variant.
Coding change: c.60T>C on transcript NM_000516.7 (MANE Select); coding-DNA position 60, T replaced by C.
Protein change: p.Arg20=; no amino-acid change (arginine 20 retained).
Molecular consequence: synonymous variant. On other transcripts: intron variant (8).
Genome position (GRCh38, 1-based): chr20:58,891,786, T>C. VCF-style: chr20-58891786-T-C. GRCh37 (hg19) VCF-style: chr20-57466841-T-C.
Other names: c.2069-3826T>C (NM_001410913.1, NM_080425.4); c.*159-3826T>C (NM_001309883.1); c.-39+2433T>C (NM_001309840.2); c.60T>C, p.Arg20= (NM_001077488.5, NM_001077489.4, NM_001309842.2 and 1 more transcripts); c.*43-3826T>C (NM_016592.5); c.44-3826T>C (NM_001410912.1); c.-38-3826T>C (NM_001309861.2); c.*1-3826T>C (NM_001077490.3).
Identifiers: ClinVar variation 3034403 (VCV003034403.2), dbSNP rs1391764576, ClinGen allele CA636225074.

ClinVar aggregate classification (germline): Likely benign (0 of 4 stars; one submission).

Conditions:
GNAS-related disorder. Identifiers: MedGen CN380105.

Submission:

PreventionGenetics, part of Exact Sciences
Classification: Likely benign for GNAS-related condition. Last evaluated: 2021-03-23. Review status: no assertion criteria provided. Collection method: clinical testing. Allele origin: germline.
Comment: This variant is classified as likely benign based on ACMG/AMP sequence variant interpretation guidelines (Richards et al. 2015 PMID: 25741868, with internal and published modifications).